The following is an entry in ClinVar:

ClinVar aggregate classification (germline): Likely benign. Review status: criteria provided, multiple submitters, no conflicts (2 of 4 stars). 4 submissions from 4 submitters: Likely benign (3). 1 of the submissions does not count toward it. Last evaluated 2025-06-15.

Conditions:
LDB3-related disorder. Also called: LDB3-related condition.
Cardiovascular phenotype. Identifiers: MedGen CN230736.
Myofibrillar myopathy 4. Also called: Zaspopathy (type). Identifiers: Orphanet 98912, MedGen C4721886, MONDO:0012277, OMIM 609452.

Allele frequency attached by ClinVar (database versions not stated): TOPMed 0.00001; gnomAD 0.00002; ExAC 0.00008; ESP Exome Variant Server 0.00008.
gnomAD v4.1: 33 of 1,612,920 alleles (0.002%); highest among the groups gnomAD compares: South Asian, 0.0066%; no homozygotes.

Submissions (4):

Labcorp Genetics (formerly Invitae), Labcorp
Classification: Likely benign for Myofibrillar myopathy 4. Last evaluated: 2025-06-15. Review status: criteria provided, single submitter. Criteria: Invitae Variant Classification Sherloc (09022015). Collection method: clinical testing. Allele origin: germline.

GeneDx
Classification: Likely benign. Last evaluated: 2020-10-29. Review status: criteria provided, single submitter. Criteria: GeneDx Variant Classification Process June 2021. Collection method: clinical testing. Allele origin: germline. Affected: yes.

Ambry Genetics
Classification: Likely benign for Cardiovascular phenotype. Last evaluated: 2019-06-05. Review status: criteria provided, single submitter. Criteria: Ambry Variant Classification Scheme 2023. Collection method: clinical testing. Allele origin: germline.

PreventionGenetics, part of Exact Sciences
Classification: Likely benign for LDB3-related condition. Last evaluated: 2019-03-22. Review status: no assertion criteria provided. Collection method: clinical testing. Allele origin: germline. Not counted in ClinVar's aggregate classification.
Comment: This variant is classified as likely benign based on ACMG/AMP sequence variant interpretation guidelines (Richards et al. 2015 PMID: 25741868, with internal and published modifications).

NM_007078.3(LDB3):c.468C>T (p.Ala156=)

Gene: LDB3 (LIM domain binding 3; plus strand). Cytogenetic location: 10q23.2.
Variant type: single nucleotide variant.
Coding change: c.468C>T on transcript NM_007078.3 (MANE Select); coding-DNA position 468, C replaced by T.
Protein change: p.Ala156=; no amino-acid change (alanine 156 retained).
Molecular consequence: synonymous variant. On other transcripts: intron variant (5).
Genome position (GRCh38, 1-based): chr10:86,681,582, C>T. VCF-style: chr10-86681582-C-T. GRCh37 (hg19) VCF-style: chr10-88441339-C-T.
Other names: c.468C>T, p.Ala156= (NM_001080115.2, NM_001171610.2, NM_001171611.2 and 3 more transcripts); c.321+1425C>T (NM_001368068.1, NM_001368066.1, NM_001080114.2 and 2 more transcripts); c.468C>T (NM_001171610.1).
Identifiers: ClinVar variation 384283 (VCV000384283.16), dbSNP rs374233873, ClinGen allele CA5584710.